The following is an entry in ClinVar:

ClinVar aggregate classification (germline): Uncertain significance (1 of 4 stars; one submission).

Conditions:
Sclerosteosis 2 (SOST2). Identifiers: Orphanet 3152, MedGen C3280402, MONDO:0013679, OMIM 614305.
Congenital myasthenic syndrome 17. Identifiers: Orphanet 590, MedGen C4225377, MONDO:0014578, OMIM 616304.
Cenani-Lenz syndactyly syndrome. Also called: SYNDACTYLY, TYPE VII; CENANI SYNDACTYLISM. Identifiers: Orphanet 3258, MedGen C1859309, MONDO:0008931, OMIM 212780.

Allele frequency attached by ClinVar (database versions not stated): TOPMed below 0.00001.
gnomAD v4.1: 5 of 1,613,464 alleles (0.00031%); highest among the groups gnomAD compares: Non-Finnish European, 0.00042%; no homozygotes.

Submission:

Labcorp Genetics (formerly Invitae), Labcorp
Classification: Uncertain significance for Cenani-Lenz syndactyly syndrome; Sclerosteosis 2; Congenital myasthenic syndrome 17. Last evaluated: 2024-10-23. Review status: criteria provided, single submitter. Criteria: Invitae Variant Classification Sherloc (09022015). Collection method: clinical testing. Allele origin: germline.
Comment: This sequence change falls in intron 4 of the LRP4 gene. It does not directly change the encoded amino acid sequence of the LRP4 protein. It affects a nucleotide within the consensus splice site. This variant is not present in population databases (gnomAD no frequency). This variant has not been reported in the literature in individuals affected with LRP4-related conditions. ClinVar contains an entry for this variant (Variation ID: 2120768). Variants that disrupt the consensus splice site are a relatively common cause of aberrant splicing (PMID: 17576681, 9536098). Algorithms developed to predict the effect of sequence changes on RNA splicing suggest that this variant is not likely to affect RNA splicing. In summary, the available evidence is currently insufficient to determine the role of this variant in disease. Therefore, it has been classified as a Variant of Uncertain Significance.

Literature cited by the submitters: PubMed 17576681; PubMed 9536098.

NM_002334.4(LRP4):c.430+4G>A

Gene: LRP4 (LDL receptor related protein 4; minus strand). Cytogenetic location: 11p11.2.
Variant type: single nucleotide variant.
Coding change: c.430+4G>A on transcript NM_002334.4 (MANE Select); 4 bases into the intron after coding-DNA position 430, G replaced by A.
Molecular consequence: intron variant.
Genome position (GRCh38, 1-based): chr11:46,899,859, C>T on the plus strand (G>A on the coding strand, the complement: LRP4 is on the minus strand). VCF-style: chr11-46899859-C-T. GRCh37 (hg19) VCF-style: chr11-46921410-C-T.
Identifiers: ClinVar variation 2120768 (VCV002120768.4), dbSNP rs755299278, ClinGen allele CA221655432.